The following is an entry in ClinVar:

ClinVar aggregate classification (germline): Uncertain significance (1 of 4 stars; one submission).

gnomAD v4.1: 1 of 1,614,108 alleles (0.000062%); highest among the groups gnomAD compares: Non-Finnish European, 0.000085%; no homozygotes.

Submission:

Labcorp Genetics (formerly Invitae), Labcorp
Classification: Uncertain significance. Last evaluated: 2024-02-24. Review status: criteria provided, single submitter. Criteria: Invitae Variant Classification Sherloc (09022015). Collection method: clinical testing. Allele origin: germline.
Comment: This sequence change replaces valine, which is neutral and non-polar, with phenylalanine, which is neutral and non-polar, at codon 333 of the NDUFAF7 protein (p.Val333Phe). This variant is not present in population databases (gnomAD no frequency). This variant has not been reported in the literature in individuals affected with NDUFAF7-related conditions. An algorithm developed to predict the effect of missense changes on protein structure and function (PolyPhen-2) suggests that this variant is likely to be tolerated. In summary, the available evidence is currently insufficient to determine the role of this variant in disease. Therefore, it has been classified as a Variant of Uncertain Significance.

NM_144736.5(NDUFAF7):c.1291G>T (p.Val431Phe)

Gene: NDUFAF7 (NADH:ubiquinone oxidoreductase complex assembly factor 7; plus strand). Cytogenetic location: 2p22.2.
Variant type: single nucleotide variant.
Coding change: c.1291G>T on transcript NM_144736.5 (MANE Select); coding-DNA position 1291, G replaced by T.
Protein change: p.Val431Phe; replaces valine 431 with phenylalanine.
Molecular consequence: missense variant. On other transcripts: non-coding transcript variant (10).
Genome position (GRCh38, 1-based): chr2:37,248,315, G>T. VCF-style: chr2-37248315-G-T. GRCh37 (hg19) VCF-style: chr2-37475458-G-T.
Other names: c.997G>T, p.Val333Phe (NM_001083946.2); c.1168G>T, p.Val390Phe (NM_001350024.2); c.1087G>T, p.Val363Phe (NM_001350025.2); c.1078G>T, p.Val360Phe (NM_001350027.2); short protein forms V333F, V360F, V363F, V431F, V390F.
Identifiers: ClinVar variation 3641454 (VCV003641454.2).